The following is an entry in ClinVar:

NM_001375567.1(FOCAD):c.4127A>G (p.Lys1376Arg)

Gene: FOCAD (focadhesin; plus strand). Cytogenetic location: 9p21.3.
Variant type: single nucleotide variant.
Coding change: c.4127A>G on transcript NM_001375567.1 (MANE Select); coding-DNA position 4127, A replaced by G.
Protein change: p.Lys1376Arg; replaces lysine 1376 with arginine.
Molecular consequence: missense variant.
Genome position (GRCh38, 1-based): chr9:20,953,060, A>G. VCF-style: chr9-20953060-A-G. GRCh37 (hg19) VCF-style: chr9-20953059-A-G.
Other names: c.4022A>G, p.Lys1341Arg (NM_001375568.1, NM_001375570.1); c.4127A>G, p.Lys1376Arg (NM_017794.5); short protein forms K1341R, K1376R.
Identifiers: ClinVar variation 2331908 (VCV002331908.3), dbSNP rs776526405, ClinGen allele CA5007813.

ClinVar aggregate classification (germline): Uncertain significance. Review status: criteria provided, multiple submitters, no conflicts (2 of 4 stars). 2 submissions from 2 submitters: Uncertain significance (2). Last evaluated 2025-11-09.

Conditions:
Inborn genetic diseases. Identifiers: MedGen C0950123, MeSH D030342.

Allele frequency attached by ClinVar (database versions not stated): gnomAD exomes below 0.00001; ExAC 0.00001; TOPMed 0.00002; gnomAD 0.00003.
gnomAD v4.1: 9 of 1,612,074 alleles (0.00056%); highest among the groups gnomAD compares: African/African-American, 0.012%; no homozygotes.

Submissions (2):

Labcorp Genetics (formerly Invitae), Labcorp
Classification: Uncertain significance. Last evaluated: 2025-11-09. Review status: criteria provided, single submitter. Criteria: Invitae Variant Classification Sherloc (09022015). Collection method: clinical testing. Allele origin: germline.
Comment: This sequence change replaces lysine, which is basic and polar, with arginine, which is basic and polar, at codon 1376 of the FOCAD protein (p.Lys1376Arg). This variant is present in population databases (rs776526405, gnomAD 0.007%). This variant has not been reported in the literature in individuals affected with FOCAD-related conditions. ClinVar contains an entry for this variant (Variation ID: 2331908). Experimental studies and prediction algorithms are not available or were not evaluated, and the functional significance of this variant is currently unknown. In summary, the available evidence is currently insufficient to determine the role of this variant in disease. Therefore, it has been classified as a Variant of Uncertain Significance.

Ambry Genetics
Classification: Uncertain significance for Inborn genetic diseases. Last evaluated: 2022-12-02. Review status: criteria provided, single submitter. Criteria: Ambry Variant Classification Scheme 2023. Collection method: clinical testing. Allele origin: germline.